The following is an entry in ClinVar:

ClinVar aggregate classification (germline): Uncertain significance (1 of 4 stars; one submission).

Submission:

Labcorp Genetics (formerly Invitae), Labcorp
Classification: Uncertain significance. Last evaluated: 2022-08-03. Review status: criteria provided, single submitter. Criteria: Invitae Variant Classification Sherloc (09022015). Collection method: clinical testing. Allele origin: germline.
Comment: This variant has not been reported in the literature in individuals affected with XPR1-related conditions. This variant is not present in population databases (gnomAD no frequency). This sequence change replaces alanine, which is neutral and non-polar, with threonine, which is neutral and polar, at codon 173 of the XPR1 protein (p.Ala173Thr). Algorithms developed to predict the effect of missense changes on protein structure and function (SIFT, PolyPhen-2, Align-GVGD) all suggest that this variant is likely to be tolerated. In summary, the available evidence is currently insufficient to determine the role of this variant in disease. Therefore, it has been classified as a Variant of Uncertain Significance.

NM_004736.4(XPR1):c.517G>A (p.Ala173Thr)

Gene: XPR1 (xenotropic and polytropic retrovirus receptor 1; plus strand). Cytogenetic location: 1q25.3.
Variant type: single nucleotide variant.
Coding change: c.517G>A on transcript NM_004736.4 (MANE Select); coding-DNA position 517, G replaced by A.
Protein change: p.Ala173Thr; replaces alanine 173 with threonine.
Molecular consequence: missense variant. On other transcripts: non-coding transcript variant (1).
Genome position (GRCh38, 1-based): chr1:180,806,131, G>A. VCF-style: chr1-180806131-G-A. GRCh37 (hg19) VCF-style: chr1-180775267-G-A.
Other names: c.517G>A, p.Ala173Thr (NM_001135669.2, NM_001328662.2); short protein forms A173T.
Identifiers: ClinVar variation 1714956 (VCV001714956.5), dbSNP rs2525826439, ClinGen allele CA343843545.